The following is an entry in ClinVar:

NM_000059.4(BRCA2):c.7887G>A (p.Trp2629Ter)

Gene: BRCA2 (BRCA2 DNA repair associated; plus strand). Cytogenetic location: 13q13.1.
Variant type: single nucleotide variant.
Coding change: c.7887G>A on transcript NM_000059.4 (MANE Select); coding-DNA position 7887, G replaced by A.
Protein change: p.Trp2629Ter; replaces tryptophan 2629 with a stop codon.
Molecular consequence: nonsense.
Genome position (GRCh38, 1-based): chr13:32,362,604, G>A. VCF-style: chr13-32362604-G-A. GRCh37 (hg19) VCF-style: chr13-32936741-G-A.
Other names: 8115G>A; short protein forms W2629*.
Identifiers: ClinVar variation 267041 (VCV000267041.9), dbSNP rs886040734, ClinGen allele CA10589456.

ClinVar aggregate classification (germline): Pathogenic. Review status: reviewed by expert panel (3 of 4 stars). 3 submissions from 3 submitters: Pathogenic (1). 2 of the submissions do not count toward it. Last evaluated 2016-10-18.

Conditions:
Breast-ovarian cancer, familial, susceptibility to, 2 (BROVCA2). Also called: BRCA2 Hereditary Breast and Ovarian Cancer. Identifiers: Orphanet 145, MedGen C2675520, MONDO:0012933, OMIM 612555. Disease mechanism: loss of function.
Hereditary cancer-predisposing syndrome. Also called: Hereditary neoplastic syndrome; Neoplastic Syndromes, Hereditary; Tumor predisposition; Hereditary Cancer Syndrome. Identifiers: Orphanet 140162, MedGen C0027672, MeSH D009386, MONDO:0015356.

Submissions (3):

Evidence-based Network for the Interpretation of Germline Mutant Alleles (ENIGMA)
Classification: Pathogenic for Breast-ovarian cancer, familial, susceptibility to, 2. Last evaluated: 2016-10-18. Review status: reviewed by expert panel. Criteria: ENIGMA BRCA1/2 Classification Criteria (2015). Collection method: curation. Allele origin: germline.
Comment: Variant allele predicted to encode a truncated non-functional protein.

Ambry Genetics
Classification: Pathogenic for Hereditary cancer-predisposing syndrome. Last evaluated: 2023-01-27. Review status: criteria provided, single submitter. Criteria: Ambry Variant Classification Scheme 2023. Collection method: clinical testing. Allele origin: germline. Not counted in ClinVar's aggregate classification.
Comment: The p.W2629* pathogenic mutation (also known as c.7887G>A), located in coding exon 16 of the BRCA2 gene, results from a G to A substitution at nucleotide position 7887. This changes the amino acid from a tryptophan to a stop codon within coding exon 16. This alteration was observed in multiple individuals undergoing BRCA1/2 genetic testing based on personal and/or family history of breast and/or ovarian cancer (Lang GT et al. Int J Cancer, 2017 Jul;141:129-142; Machackova E et al. Klin Onkol, 2019;32:51-71). This variant is considered to be rare based on population cohorts in the Genome Aggregation Database (gnomAD). In addition to the clinical data presented in the literature, this alteration is expected to result in loss of function by premature protein truncation or nonsense-mediated mRNA decay. As such, this alteration is interpreted as a disease-causing mutation.

Consortium of Investigators of Modifiers of BRCA1/2 (CIMBA), c/o University of Cambridge
Classification: Pathogenic for Breast-ovarian cancer, familial, susceptibility to, 2. Last evaluated: 2015-10-02. Review status: criteria provided, single submitter. Criteria: CIMBA Mutation Classification guidelines May 2016. Collection method: clinical testing. Allele origin: germline. Not counted in ClinVar's aggregate classification.

Literature cited by the submitters: PubMed 28294317 (cited by Ambry Genetics); PubMed 31409081 (cited by Ambry Genetics).